The following is an entry in ClinVar:

ClinVar aggregate classification (germline): Uncertain significance. Review status: criteria provided, multiple submitters, no conflicts (2 of 4 stars). 13 submissions from 13 submitters: Uncertain significance (11). 2 of the submissions do not count toward it. Last evaluated 2026-01-20.

Conditions:
Diffuse midline glioma, H3 K27-altered. Identifiers: MedGen C5669877, MONDO:1060171.
Hereditary cancer-predisposing syndrome. Also called: Neoplastic Syndromes, Hereditary; Hereditary Cancer Syndrome; Tumor predisposition; Hereditary neoplastic syndrome. Identifiers: Orphanet 140162, MedGen C0027672, MeSH D009386, MONDO:0015356.
Ataxia-telangiectasia syndrome (AT). Also called: Cerebello-oculocutaneous telangiectasia; Immunodeficiency with ataxia telangiectasia; LOUIS-BAR SYNDROME; Ataxia-telangiectasia, complementation group D; AT, COMPLEMENTATION GROUP C; ATAXIA-TELANGIECTASIA, COMPLEMENTATION GROUP A. Identifiers: Orphanet 100, MedGen C0004135, MONDO:0008840, OMIM 208900.
Familial cancer of breast. Also called: Hereditary breast cancer; hereditary breast carcinoma; BREAST CANCER, FAMILIAL. Identifiers: Orphanet 227535, MedGen C0346153, MONDO:0016419, OMIM 114480. Disease mechanism: loss of function.

Allele frequency attached by ClinVar (database versions not stated): gnomAD 0.00001; TOPMed 0.00001.

Submissions (13):

Labcorp Genetics (formerly Invitae), Labcorp
Classification: Uncertain significance for Ataxia-telangiectasia syndrome. Last evaluated: 2026-01-20. Review status: criteria provided, single submitter. Criteria: Invitae Variant Classification Sherloc (09022015). Collection method: clinical testing. Allele origin: germline.
Comment: This sequence change replaces histidine, which is basic and polar, with arginine, which is basic and polar, at codon 231 of the ATM protein (p.His231Arg). This variant is present in population databases (rs587782229, gnomAD 0.003%). This missense change has been observed in individual(s) with breast cancer and/or clinical features of ataxia-telangiectasia (PMID: 12810666, 17124347, 19781682, 35534704). ClinVar contains an entry for this variant (Variation ID: 142096). Invitae Evidence Modeling of protein sequence and biophysical properties (such as structural, functional, and spatial information, amino acid conservation, physicochemical variation, residue mobility, and thermodynamic stability) indicates that this missense variant is not expected to disrupt ATM protein function with a negative predictive value of 95%. In summary, the available evidence is currently insufficient to determine the role of this variant in disease. Therefore, it has been classified as a Variant of Uncertain Significance.

Ambry Genetics
Classification: Uncertain significance for Hereditary cancer-predisposing syndrome. Last evaluated: 2024-12-30. Review status: criteria provided, single submitter. Criteria: Ambry Variant Classification Scheme 2023. Collection method: clinical testing. Allele origin: germline.
Comment: The p.H231R variant (also known as c.692A>G), located in coding exon 6 of the ATM gene, results from an A to G substitution at nucleotide position 692. The histidine at codon 231 is replaced by arginine, an amino acid with highly similar properties. In one study, this alteration was detected in 1/4112 breast cancer patients and 0/2399 healthy control individuals (Tavtigian S et al. Am. J. Hum. Genet. 2009 Oct;85(4):427-46). This alteration was also reported in a cohort of 270 Austrian HBOC families previously screened for BRCA1 and BRCA2 mutations (Thorstenson YR et al. Cancer Res, 2003 Jun;63:3325-33). This amino acid position is well conserved in available vertebrate species. In addition, this alteration is predicted to be tolerated by in silico analysis. Based on the available evidence, the clinical significance of this variant remains unclear.

Color Diagnostics, LLC DBA Color Health
Classification: Uncertain significance for Hereditary cancer-predisposing syndrome. Last evaluated: 2024-12-17. Review status: criteria provided, single submitter. Criteria: ACMG Guidelines, 2015. Collection method: clinical testing. Allele origin: germline.
Comment: This missense variant replaces histidine with arginine at codon 231 of the ATM protein. Computational prediction suggests that this variant may not impact protein structure and function. To our knowledge, functional studies have not been reported for this variant. This variant has been reported in individuals or families affected with breast cancer (PMID: 12810666, 19781682, 33471991). The variant has also been observed heterozygous in an individual affected with ataxia-telangiectasia, but without a known second mutation (PMID: 17124347). This variant has been identified in 4/251096 chromosomes in the general population by the Genome Aggregation Database (gnomAD). The available evidence is insufficient to determine the role of this variant in disease conclusively. Therefore, this variant is classified as a Variant of Uncertain Significance.

GeneDx
Classification: Uncertain significance. Last evaluated: 2024-11-12. Review status: criteria provided, single submitter. Criteria: GeneDx Variant Classification Process June 2021. Collection method: clinical testing. Allele origin: germline. Affected: yes.
Comment: In silico analysis supports that this missense variant has a deleterious effect on protein structure/function; Not observed at significant frequency in large population cohorts (gnomAD); This variant is associated with the following publications: (PMID: 17124347, 19781682, 12810666, 33471991, 35534704)

Baylor Genetics
Classification: Uncertain significance for Familial cancer of breast. Last evaluated: 2024-03-09. Review status: criteria provided, single submitter. Criteria: ACMG Guidelines, 2015. Collection method: clinical testing. Allele origin: unknown.

Blueprint Genetics
Classification: Uncertain significance. Last evaluated: 2024-03-07. Review status: criteria provided, single submitter. Criteria: ACMG Guidelines, 2015. Collection method: clinical testing. Allele origin: germline.

Department of Pathology and Laboratory Medicine, Sinai Health System
Classification: Uncertain significance for Familial cancer of breast. Last evaluated: 2023-12-13. Review status: criteria provided, single submitter. Criteria: ACMG Guidelines, 2015. Collection method: clinical testing. Allele origin: germline. Affected: yes.

Fulgent Genetics
Classification: Uncertain significance for Familial cancer of breast; Ataxia-telangiectasia syndrome. Last evaluated: 2021-12-04. Review status: criteria provided, single submitter. Criteria: ACMG Guidelines, 2015. Collection method: clinical testing. Allele origin: unknown.

Mendelics
Classification: Uncertain significance for Ataxia-telangiectasia syndrome. Last evaluated: 2018-07-02. Review status: criteria provided, single submitter. Criteria: Mendelics Assertion Criteria 2017. Collection method: clinical testing. Allele origin: unknown.

Illumina Laboratory Services, Illumina
Classification: Uncertain significance for Ataxia-telangiectasia syndrome. Last evaluated: 2017-09-13. Review status: criteria provided, single submitter. Criteria: ICSL Variant Classification Criteria 13 December 2019. Collection method: clinical testing. Allele origin: germline.
Comment: This variant was observed as part of a predisposition screen in an ostensibly healthy population. A literature search was performed for the gene, cDNA change, and amino acid change (where applicable). Publications were found based on this search. However, the evidence from the literature, in combination with allele frequency data from public databases where available, was not sufficient to rule this variant in or out of causing disease. Therefore, this variant is classified as a variant of unknown significance.

Laboratory of Medical Genetics Unit, Bambino Gesù Children's Hospital
Classification: Uncertain significance for Diffuse midline glioma, H3 K27-altered. Review status: criteria provided, single submitter. Criteria: ACMG Guidelines, 2015. Collection method: research. Allele origin: germline. Affected: yes. Observed: 1 heterozygote.

Natera, Inc.
Classification: Uncertain significance for Ataxia-telangiectasia. Last evaluated: 2020-09-21. Review status: no assertion criteria provided. Collection method: clinical testing. Allele origin: germline. Not counted in ClinVar's aggregate classification.

Counsyl
Classification: Uncertain significance for Ataxia-telangiectasia syndrome. Last evaluated: 2017-02-08. Review status: no assertion criteria provided. Collection method: clinical testing. Allele origin: unknown. Not counted in ClinVar's aggregate classification.

Literature cited by the submitters: PubMed 12810666 (cited by 5 submitters); PubMed 17124347 (cited by 5 submitters); PubMed 19781682 (cited by 4 submitters); PubMed 35534704 (cited by Labcorp Genetics (formerly Invitae), Labcorp); PubMed 33471991 (cited by Color Diagnostics, LLC DBA Color Health and Department of Pathology and Laboratory Medicine, Sinai Health System).

NM_000051.4(ATM):c.692A>G (p.His231Arg)

Gene: ATM (ATM serine/threonine kinase; plus strand). Cytogenetic location: 11q22.3.
Variant type: single nucleotide variant.
Coding change: c.692A>G on transcript NM_000051.4 (MANE Select); coding-DNA position 692, A replaced by G.
Protein change: p.His231Arg; replaces histidine 231 with arginine.
Molecular consequence: missense variant.
Genome position (GRCh38, 1-based): chr11:108,244,817, A>G. VCF-style: chr11-108244817-A-G. GRCh37 (hg19) VCF-style: chr11-108115544-A-G.
Other names: c.692A>G, p.His231Arg (NM_001351834.2); short protein forms H231R.
Identifiers: ClinVar variation 142096 (VCV000142096.37), dbSNP rs587782229, ClinGen allele CA167385.
Genomic context (GRCh38, chr11:108,244,817, plus strand): 5'-TACCCAGTTGAGCTTGTTTGTTTCTTCACAGACAAGAAAAGAGCTCTTCAGGTCTAAATC[A>G]TATCTTAGCAGCTCTTACTATCTTCCTCAAGACTTTGGCTGTCAACTTTCGAATTCGAGT-3'
Protein context (NP_000042.3, residues 221-241): RQEKSSSGLN[His231Arg]ILAALTIFLK